The following is an entry in ClinVar:

NM_153240.5(NPHP3):c.255G>A (p.Glu85=)

Genes: NPHP3 (nephrocystin 3; minus strand), NPHP3-ACAD11 (NPHP3-ACAD11 readthrough (NMD candidate); minus strand), NPHP3-AS1 (NPHP3 antisense RNA 1; plus strand), LOC129937586 (ATAC-STARR-seq lymphoblastoid silent region 14743; plus strand). Cytogenetic location: 3q22.1.
Variant type: single nucleotide variant.
Coding change: c.255G>A on transcript NM_153240.5 (MANE Select); coding-DNA position 255, G replaced by A.
Protein change: p.Glu85=; no amino-acid change (glutamic acid 85 retained).
Molecular consequence: synonymous variant. On other transcripts: non-coding transcript variant (3).
Genome position (GRCh38, 1-based): chr3:132,722,101, C>T on the plus strand (G>A on the coding strand, the complement: NPHP3 is on the minus strand). VCF-style: chr3-132722101-C-T. GRCh37 (hg19) VCF-style: chr3-132440945-C-T.
Identifiers: ClinVar variation 462726 (VCV000462726.12), dbSNP rs146839563, ClinGen allele CA2622674.

ClinVar aggregate classification (germline): Conflicting classifications of pathogenicity. Review status: criteria provided, conflicting classifications (1 of 4 stars). 3 submissions from 3 submitters: Uncertain significance (1); Likely benign (2). Last evaluated 2022-09-20.

Conditions:
Nephronophthisis. Also called: Juvenile Nephronophthisis. Identifiers: Orphanet 655, MedGen C0687120, MONDO:0019005, HP:0000090.

Allele frequency attached by ClinVar (database versions not stated): gnomAD exomes below 0.00001 and 0.00002; TOPMed 0.00004; gnomAD 0.00006; ExAC 0.00004; ESP Exome Variant Server 0.00016.
gnomAD v4.1: 13 of 1,608,682 alleles (0.00081%); highest among the groups gnomAD compares: African/African-American, 0.017%; no homozygotes.

Submissions (3):

Labcorp Genetics (formerly Invitae), Labcorp
Classification: Likely benign for Nephronophthisis. Last evaluated: 2022-09-20. Review status: criteria provided, single submitter. Criteria: Invitae Variant Classification Sherloc (09022015). Collection method: clinical testing. Allele origin: germline.

Eurofins Ntd Llc (ga)
Classification: Uncertain significance. Last evaluated: 2018-04-27. Review status: criteria provided, single submitter. Criteria: EGL ClinVar v180209 classification definitions. Collection method: clinical testing. Allele origin: germline. Observed: 1 variant allele, 1 heterozygote.

GeneDx
Classification: Likely benign. Last evaluated: 2017-12-15. Review status: criteria provided, single submitter. Criteria: GeneDx Variant Classification (06012015). Collection method: clinical testing. Allele origin: germline. Affected: yes.
Comment: This variant is considered likely benign or benign based on one or more of the following criteria: it is a conservative change, it occurs at a poorly conserved position in the protein, it is predicted to be benign by multiple in silico algorithms, and/or has population frequency not consistent with disease.